The following is an entry in ClinVar:

NM_005535.3(IL12RB1):c.1138C>A (p.Leu380Ile)

Gene: IL12RB1 (interleukin 12 receptor subunit beta 1; minus strand). Cytogenetic location: 19p13.11.
Variant type: single nucleotide variant.
Coding change: c.1138C>A on transcript NM_005535.3 (MANE Select); coding-DNA position 1138, C replaced by A.
Protein change: p.Leu380Ile; replaces leucine 380 with isoleucine.
Molecular consequence: missense variant.
Genome position (GRCh38, 1-based): chr19:18,069,597, G>T on the plus strand (C>A on the coding strand, the complement: IL12RB1 is on the minus strand). VCF-style: chr19-18069597-G-T. GRCh37 (hg19) VCF-style: chr19-18180407-G-T.
Other names: c.1138C>A, p.Leu380Ile (NM_001290023.2); c.1258C>A, p.Leu420Ile (NM_001290024.2); short protein forms L380I, L420I.
Identifiers: ClinVar variation 870876 (VCV000870876.46), dbSNP rs373076771, ClinGen allele CA9304951.

ClinVar aggregate classification (germline): Conflicting classifications of pathogenicity. Review status: criteria provided, conflicting classifications (1 of 4 stars). 3 submissions from 3 submitters: Uncertain significance (2); Likely benign (1). Last evaluated 2023-08-30.

Conditions:
Mendelian susceptibility to mycobacterial diseases due to complete IL12RB1 deficiency. Also called: Immunodeficiency 30; IL12RB1 DEFICIENCY. Identifiers: Orphanet 319552, MedGen C4013949, MONDO:0013955, OMIM 614891.

Allele frequency attached by ClinVar (database versions not stated): ExAC 0.00002; gnomAD 0.00002 and 0.00003; gnomAD exomes 0.00003; TOPMed 0.00004; ESP Exome Variant Server 0.00008.
gnomAD v4.1: 69 of 1,612,604 alleles (0.0043%); highest among the groups gnomAD compares: Middle Eastern, 0.082%; no homozygotes.

Submissions (3):

Blueprint Genetics
Classification: Likely benign. Last evaluated: 2023-08-30. Review status: criteria provided, single submitter. Criteria: ACMG Guidelines, 2015. Collection method: clinical testing. Allele origin: germline.

Labcorp Genetics (formerly Invitae), Labcorp
Classification: Uncertain significance for Mendelian susceptibility to mycobacterial diseases due to complete IL12RB1 deficiency. Last evaluated: 2022-05-27. Review status: criteria provided, single submitter. Criteria: Invitae Variant Classification Sherloc (09022015). Collection method: clinical testing. Allele origin: germline.
Comment: This sequence change replaces leucine, which is neutral and non-polar, with isoleucine, which is neutral and non-polar, at codon 380 of the IL12RB1 protein (p.Leu380Ile). This variant is present in population databases (rs373076771, gnomAD 0.004%). This variant has not been reported in the literature in individuals affected with IL12RB1-related conditions. ClinVar contains an entry for this variant (Variation ID: 870876). Algorithms developed to predict the effect of missense changes on protein structure and function (SIFT, PolyPhen-2, Align-GVGD) all suggest that this variant is likely to be tolerated. In summary, the available evidence is currently insufficient to determine the role of this variant in disease. Therefore, it has been classified as a Variant of Uncertain Significance.

CeGaT Center for Human Genetics Tuebingen
Classification: Uncertain significance. Last evaluated: 2019-07-01. Review status: criteria provided, single submitter. Criteria: CeGaT Center For Human Genetics Tuebingen Variant Classification Criteria Version 2. Collection method: clinical testing. Allele origin: germline. Affected: yes. Observed: 1 variant allele.